The following is an entry in ClinVar:

NM_031370.3(HNRNPD):c.200del (p.Lys67fs)

Gene: HNRNPD (heterogeneous nuclear ribonucleoprotein D; minus strand). Cytogenetic location: 4q21.22.
Variant type: Deletion.
Coding change: c.200del on transcript NM_031370.3 (MANE Select); coding-DNA position 200, one base deleted (A; older notation c.200delA).
Protein change: p.Lys67fs; shifts the reading frame from lysine 67.
Molecular consequence: frameshift variant.
Genome position (GRCh38, 1-based): chr4:82,373,479, T deleted on the plus strand (A on the coding strand, the reverse complement: HNRNPD is on the minus strand); the first of 2 consecutive T bases (chr4:82,373,479-82,373,480); deleting either gives the same sequence. VCF-style (leftmost placement, unchanged base first): chr4-82373478-CT-C. GRCh37 (hg19) VCF-style: chr4-83294631-CT-C.
Other names: c.200del, p.Lys67fs (NM_001003810.2, NM_002138.4, NM_031369.3); short protein forms K67fs.
Identifiers: ClinVar variation 4883854 (VCV004883854.2).

ClinVar aggregate classification (germline): Uncertain significance (1 of 4 stars; one submission).

Submission:

Dasa
Classification: Uncertain significance. Last evaluated: 2025-07-05. Review status: criteria provided, single submitter. Criteria: DASA Assertion Criteria. Collection method: clinical testing. Allele origin: germline.
Comment: NM_031370.3(HNRNPD):c.200del (p.Lys67Argfs*35) is a frameshift variant in HNRNPD predicted to alter the reading frame and introduce a premature termination codon and is predicted to result in an absent or altered protein product. This variant is absent from population databases. The currently available literature and clinical evidence are not sufficient to establish a definitive association between this variant and the reported condition. Therefore, this variant is classified as a variant of uncertain significance.